The following is an entry in ClinVar:

NM_000553.6(WRN):c.3166A>G (p.Thr1056Ala)

Gene: WRN (WRN RecQ like helicase; plus strand). Cytogenetic location: 8p12.
Variant type: single nucleotide variant.
Coding change: c.3166A>G on transcript NM_000553.6 (MANE Select); coding-DNA position 3166, A replaced by G.
Protein change: p.Thr1056Ala; replaces threonine 1056 with alanine.
Molecular consequence: missense variant.
Genome position (GRCh38, 1-based): chr8:31,141,708, A>G. VCF-style: chr8-31141708-A-G. GRCh37 (hg19) VCF-style: chr8-30999224-A-G.
Other names: short protein forms T1056A.
Identifiers: ClinVar variation 1009256 (VCV001009256.4), dbSNP rs1802643784, ClinGen allele CA370923004.

ClinVar aggregate classification (germline): Uncertain significance (1 of 4 stars; one submission).

Conditions:
Werner syndrome (WRN). Identifiers: Orphanet 902, MedGen C0043119, MONDO:0010196, OMIM 277700.

Allele frequency attached by ClinVar (database versions not stated): gnomAD 0.00001.
gnomAD v4.1: 1 of 1,614,098 alleles (0.000062%); highest among the groups gnomAD compares: African/African-American, 0.0013%; no homozygotes.

Submission:

Labcorp Genetics (formerly Invitae), Labcorp
Classification: Uncertain significance for Werner syndrome. Last evaluated: 2025-11-25. Review status: criteria provided, single submitter. Criteria: Invitae Variant Classification Sherloc (09022015). Collection method: clinical testing. Allele origin: germline.
Comment: This sequence change replaces threonine, which is neutral and polar, with alanine, which is neutral and non-polar, at codon 1056 of the WRN protein (p.Thr1056Ala). This variant is not present in population databases (gnomAD no frequency). This variant has not been reported in the literature in individuals affected with WRN-related conditions. ClinVar contains an entry for this variant (Variation ID: 1009256). An algorithm developed to predict the effect of missense changes on protein structure and function outputs the following: PolyPhen-2: "Benign". The alanine amino acid residue is found in multiple mammalian species, which suggests that this missense change does not adversely affect protein function. In summary, the available evidence is currently insufficient to determine the role of this variant in disease. Therefore, it has been classified as a Variant of Uncertain Significance.